The following is an entry in ClinVar:

NM_199242.3(UNC13D):c.322-2A>T

Gene: UNC13D (unc-13 homolog D; minus strand). Cytogenetic location: 17q25.1.
Variant type: single nucleotide variant.
Coding change: c.322-2A>T on transcript NM_199242.3 (MANE Select); the canonical splice acceptor site of the intron before coding-DNA position 322, A replaced by T.
Molecular consequence: splice acceptor variant.
Genome position (GRCh38, 1-based): chr17:75,842,925, T>A on the plus strand (A>T on the coding strand, the complement: UNC13D is on the minus strand). VCF-style: chr17-75842925-T-A. GRCh37 (hg19) VCF-style: chr17-73839006-T-A.
Identifiers: ClinVar variation 1455802 (VCV001455802.9), dbSNP rs752651197, ClinGen allele CA8773515.

ClinVar aggregate classification (germline): Pathogenic/Likely pathogenic. Review status: criteria provided, multiple submitters, no conflicts (2 of 4 stars). 2 submissions from 2 submitters: Pathogenic (1); Likely pathogenic (1). Last evaluated 2026-01-06.

Conditions:
Familial hemophagocytic lymphohistiocytosis 3 (FHL3). Also called: UNC13D-Related Familial Hemophagocytic Lymphohistiocytosis (UNC13D-fHLH). Identifiers: Orphanet 540, MedGen C1837174, MONDO:0012146, OMIM 608898.

Allele frequency attached by ClinVar (database versions not stated): ExAC 0.00002; gnomAD 0.00002; gnomAD exomes 0.00002.
gnomAD v4.1: 26 of 1,613,330 alleles (0.0016%); highest among the groups gnomAD compares: Non-Finnish European, 0.0021%; no homozygotes.

Submissions (2):

Labcorp Genetics (formerly Invitae), Labcorp
Classification: Pathogenic for Familial hemophagocytic lymphohistiocytosis 3. Last evaluated: 2026-01-06. Review status: criteria provided, single submitter. Criteria: Invitae Variant Classification Sherloc (09022015). Collection method: clinical testing. Allele origin: germline.
Comment: This sequence change affects an acceptor splice site in intron 4 of the UNC13D gene. RNA analysis indicates that disruption of this splice site induces altered splicing and may result in an absent or altered protein product. This variant is present in population databases (rs752651197, gnomAD 0.005%). Disruption of this splice site has been observed in individual(s) with hemophagocytic lymphohistiocytosis (PMID: 15466010, 27896523, 32542393). In at least one individual the data is consistent with being in trans (on the opposite chromosome) from a pathogenic variant. ClinVar contains an entry for this variant (Variation ID: 1455802). Studies have shown that disruption of this splice site results in skipping of exon 5, and produces a non-functional protein and/or introduces a premature termination codon (PMID: 15466010). For these reasons, this variant has been classified as Pathogenic.

Fulgent Genetics
Classification: Likely pathogenic for Familial hemophagocytic lymphohistiocytosis 3. Last evaluated: 2024-06-20. Review status: criteria provided, single submitter. Criteria: ACMG Guidelines, 2015. Collection method: clinical testing. Allele origin: germline.

Literature cited by the submitters: PubMed 15466010 (cited by Labcorp Genetics (formerly Invitae), Labcorp); PubMed 27896523 (cited by Labcorp Genetics (formerly Invitae), Labcorp); PubMed 32542393 (cited by Labcorp Genetics (formerly Invitae), Labcorp).